The following is an entry in ClinVar:

NM_000702.4(ATP1A2):c.1786G>C (p.Val596Leu)

Gene: ATP1A2 (ATPase Na+/K+ transporting subunit alpha 2; plus strand). Cytogenetic location: 1q23.2.
Variant type: single nucleotide variant.
Coding change: c.1786G>C on transcript NM_000702.4 (MANE Select); coding-DNA position 1786, G replaced by C.
Protein change: p.Val596Leu; replaces valine 596 with leucine.
Molecular consequence: missense variant.
Genome position (GRCh38, 1-based): chr1:160,130,556, G>C. VCF-style: chr1-160130556-G-C. GRCh37 (hg19) VCF-style: chr1-160100346-G-C.
Other names: short protein forms V596L.
Identifiers: ClinVar variation 3644892 (VCV003644892.2).

ClinVar aggregate classification (germline): Uncertain significance (1 of 4 stars; one submission).

Conditions:
Familial hemiplegic migraine. Identifiers: MedGen C0338484, MONDO:0000700.

Submission:

Labcorp Genetics (formerly Invitae), Labcorp
Classification: Uncertain significance for Familial hemiplegic migraine. Last evaluated: 2024-03-07. Review status: criteria provided, single submitter. Criteria: Invitae Variant Classification Sherloc (09022015). Collection method: clinical testing. Allele origin: germline.
Comment: This sequence change replaces valine, which is neutral and non-polar, with leucine, which is neutral and non-polar, at codon 596 of the ATP1A2 protein (p.Val596Leu). This variant is not present in population databases (gnomAD no frequency). This variant has not been reported in the literature in individuals affected with ATP1A2-related conditions. Advanced modeling of protein sequence and biophysical properties (such as structural, functional, and spatial information, amino acid conservation, physicochemical variation, residue mobility, and thermodynamic stability) performed at Invitae indicates that this missense variant is expected to disrupt ATP1A2 protein function with a positive predictive value of 80%. In summary, the available evidence is currently insufficient to determine the role of this variant in disease. Therefore, it has been classified as a Variant of Uncertain Significance.